The following is an entry in ClinVar:

ClinVar aggregate classification (germline): Uncertain significance (1 of 4 stars; one submission).

Conditions:
Hereditary pancreatitis (PCTT). Also called: PRSS1-Related Hereditary Pancreatitis; Hereditary chronic pancreatitis. Identifiers: Orphanet 676, MedGen C0238339, MONDO:0008185, OMIM 167800.

Submission:

Ambry Genetics
Classification: Uncertain significance for Hereditary pancreatitis. Last evaluated: 2024-05-02. Review status: criteria provided, single submitter. Criteria: Ambry Variant Classification Scheme 2023. Collection method: clinical testing. Allele origin: germline.
Comment: The p.P97A variant (also known as c.289C>G), located in coding exon 3 of the PRSS1 gene, results from a C to G substitution at nucleotide position 289. The proline at codon 97 is replaced by alanine, an amino acid with highly similar properties. This amino acid position is conserved. In addition, this alteration is predicted to be deleterious by in silico analysis. Based on the available evidence, the clinical significance of this variant remains unclear.

NM_002769.5(PRSS1):c.289C>G (p.Pro97Ala)

Genes: PRSS1 (serine protease 1; plus strand), TRB (T cell receptor beta locus; plus strand). Cytogenetic location: 7q34.
Variant type: single nucleotide variant.
Coding change: c.289C>G on transcript NM_002769.5 (MANE Select); coding-DNA position 289, C replaced by G.
Protein change: p.Pro97Ala; replaces proline 97 with alanine.
Molecular consequence: missense variant. On other transcripts: non-coding transcript variant (4).
Genome position (GRCh38, 1-based): chr7:142,751,862, C>G. VCF-style: chr7-142751862-C-G. GRCh37 (hg19) VCF-style: chr7-142459713-C-G.
Other names: short protein forms P97A.
Identifiers: ClinVar variation 3310649 (VCV003310649.1).